The following is an entry in ClinVar:

ClinVar aggregate classification (germline): Uncertain significance (1 of 4 stars; one submission).

Conditions:
GTP cyclohydrolase I deficiency with hyperphenylalaninemia (HPABH4B). Also called: HYPERPHENYLALANINEMIA, TETRAHYDROBIOPTERIN-DEFICIENT, DUE TO GTP CYCLOHYDROLASE I DEFICIENCY; HYPERPHENYLALANINEMIA, BH4-DEFICIENT, B; Hyperphenylalaninemia, tetrahydrobiopterin-deficient, due to GTP cyclohydrolase 1 deficiency. Identifiers: Orphanet 2102, Orphanet 238583, MedGen CN305333, MONDO:0100186, OMIM 233910.

Submission:

Neuberg Centre For Genomic Medicine, NCGM
Classification: Uncertain significance for GTP cyclohydrolase I deficiency with hyperphenylalaninemia. Review status: criteria provided, single submitter. Criteria: ACMG Guidelines, 2015. Collection method: clinical testing. Allele origin: germline. Affected: yes.
Comment: The missense variant p.V172I in GCH1 (NM_000161.3) has not been reported previously as a pathogenic variant nor as a benign variant, to our knowledge. The p.V172I variant is novel (not in any individuals) in gnomAD Exomes and is novel (not in any individuals) in 1000 Genomes. The p.V172I missense variant is predicted to be damaging by both SIFT and PolyPhen2. The valine residue at codon 172 of GCH1 is conserved in all mammalian species. The nucleotide c.514 in GCH1 is predicted conserved by GERP++ and PhyloP across 100 vertebrates. For these reasons, this variant has been classified as Uncertain Significance.

NM_000161.3(GCH1):c.514G>A (p.Val172Ile)

Gene: GCH1 (GTP cyclohydrolase 1; minus strand). Cytogenetic location: 14q22.2.
Variant type: single nucleotide variant.
Coding change: c.514G>A on transcript NM_000161.3 (MANE Select); coding-DNA position 514, G replaced by A.
Protein change: p.Val172Ile; replaces valine 172 with isoleucine.
Molecular consequence: missense variant.
Genome position (GRCh38, 1-based): chr14:54,847,126, C>T on the plus strand (G>A on the coding strand, the complement: GCH1 is on the minus strand). VCF-style: chr14-54847126-C-T. GRCh37 (hg19) VCF-style: chr14-55313844-C-T.
Other names: c.514G>A, p.Val172Ile (NM_001024024.2, NM_001024070.2, NM_001024071.2); short protein forms V172I.
Identifiers: ClinVar variation 1339055 (VCV001339055.2), dbSNP rs1566660315, ClinGen allele CA389787508.